The following is an entry in ClinVar:

NM_001458.5(FLNC):c.7277C>G (p.Pro2426Arg)

Genes: FLNC (filamin C; plus strand), FLNC-AS1 (FLNC antisense RNA 1; minus strand). Cytogenetic location: 7q32.1.
Variant type: single nucleotide variant.
Coding change: c.7277C>G on transcript NM_001458.5 (MANE Select); coding-DNA position 7277, C replaced by G.
Protein change: p.Pro2426Arg; replaces proline 2426 with arginine.
Molecular consequence: missense variant.
Genome position (GRCh38, 1-based): chr7:128,856,543, C>G. VCF-style: chr7-128856543-C-G. GRCh37 (hg19) VCF-style: chr7-128496597-C-G.
Other names: c.7178C>G, p.Pro2393Arg (NM_001127487.2); short protein forms P2393R, P2426R.
Identifiers: ClinVar variation 4025639 (VCV004025639.1).

ClinVar aggregate classification (germline): Uncertain significance (1 of 4 stars; one submission).

Conditions:
Cardiovascular phenotype. Identifiers: MedGen CN230736.

Submission:

Ambry Genetics
Classification: Uncertain significance for Cardiovascular phenotype. Last evaluated: 2025-05-27. Review status: criteria provided, single submitter. Criteria: Ambry Variant Classification Scheme 2023. Collection method: clinical testing. Allele origin: germline.
Comment: The p.P2426R variant (also known as c.7277C>G), located in coding exon 44 of the FLNC gene, results from a C to G substitution at nucleotide position 7277. The proline at codon 2426 is replaced by arginine, an amino acid with dissimilar properties. This amino acid position is conserved. In addition, the in silico prediction for this alteration is inconclusive. Based on the available evidence, the clinical significance of this variant remains unclear.